The following is an entry in ClinVar:

NM_020738.4(KIDINS220):c.3922_3923del (p.Ala1308fs)

Gene: KIDINS220 (kinase D interacting substrate 220; minus strand). Cytogenetic location: 2p25.1.
Variant type: Microsatellite.
Coding change: c.3922_3923del on transcript NM_020738.4 (MANE Select); coding-DNA positions 3922 to 3923, 2 bases deleted (GC; older notation c.3922_3923delGC).
Protein change: p.Ala1308fs; shifts the reading frame from alanine 1308.
Molecular consequence: frameshift variant. On other transcripts: non-coding transcript variant (2).
Genome position (GRCh38, 1-based): chr2:8,733,574-8,733,575, GC deleted on the plus strand (GC on the coding strand, the reverse complement: KIDINS220 is on the minus strand); deleting any 2 consecutive bases within chr2:8,733,574-8,733,578 gives the same sequence; the c. name uses the placement nearest the transcript's 3' end. VCF-style (leftmost placement, unchanged base first): chr2-8733573-AGC-A. GRCh37 (hg19) VCF-style: chr2-8873703-AGC-A.
Other names: c.3925_3926del, p.Ala1309fs (NM_001348729.2); c.3868_3869del, p.Ala1290fs (NM_001348731.2); c.3865_3866del, p.Ala1289fs (NM_001348732.2, NM_001348738.2); c.3754_3755del, p.Ala1252fs (NM_001348734.2, NM_001348739.2, NM_001348740.2); c.3751_3752del, p.Ala1251fs (NM_001348735.2, NM_001348741.2, NM_001348742.2 and 1 more transcripts); c.3625_3626del, p.Ala1209fs (NM_001348736.2); short protein forms A1209fs, A1251fs, A1252fs, A1289fs, A1309fs, A1290fs, A1308fs.
Identifiers: ClinVar variation 1445141 (VCV001445141.6), dbSNP rs2147956203, ClinGen allele CA2580611590.

ClinVar aggregate classification (germline): Uncertain significance (1 of 4 stars; one submission).

Submission:

Labcorp Genetics (formerly Invitae), Labcorp
Classification: Uncertain significance. Last evaluated: 2021-08-23. Review status: criteria provided, single submitter. Criteria: Invitae Variant Classification Sherloc (09022015). Collection method: clinical testing. Allele origin: germline.
Comment: This sequence change creates a premature translational stop signal (p.Ala1308Phefs*32) in the KIDINS220 gene. While this is not anticipated to result in nonsense mediated decay, it is expected to disrupt the last 464 amino acid(s) of the KIDINS220 protein. This variant is not present in population databases (ExAC no frequency). This variant has not been reported in the literature in individuals affected with KIDINS220-related conditions. In summary, the available evidence is currently insufficient to determine the role of this variant in disease. Therefore, it has been classified as a Variant of Uncertain Significance.